The following is an entry in ClinVar:

NM_000465.4(BARD1):c.1555T>G (p.Ser519Ala)

Gene: BARD1 (BRCA1 associated RING domain 1; minus strand). Cytogenetic location: 2q35.
Variant type: single nucleotide variant.
Coding change: c.1555T>G on transcript NM_000465.4 (MANE Select); coding-DNA position 1555, T replaced by G.
Protein change: p.Ser519Ala; replaces serine 519 with alanine.
Molecular consequence: missense variant. On other transcripts: non-coding transcript variant (3), intron variant (3).
Genome position (GRCh38, 1-based): chr2:214,767,495, A>C on the plus strand (T>G on the coding strand, the complement: BARD1 is on the minus strand). VCF-style: chr2-214767495-A-C. GRCh37 (hg19) VCF-style: chr2-215632219-A-C.
Other names: c.1498T>G, p.Ser500Ala (NM_001282543.2); c.159-14940T>G (NM_001282548.2); c.216-14940T>G (NM_001282545.2); c.364+24802T>G (NM_001282549.2); short protein forms S500A, S519A.
Identifiers: ClinVar variation 819498 (VCV000819498.6), dbSNP rs1553619206, ClinGen allele CA350448116.
Genomic context (GRCh38, chr2:214,767,495, plus strand): 5'-AGAATATAGGTCCATTTTAAAAATAATTTTTACGTTGAACTACTTACACAGCATTTCTGG[A>C]GGCTCCATAGGAAAGTAACAGCTTGACTATATCCACATGCCCATTCTTGGCTGCATCGTG-3'
Protein context (NP_000456.2, residues 509-529): IVKLLLSYGA[Ser519Ala]RNAVNIFGLR

ClinVar aggregate classification (germline): Uncertain significance. Review status: criteria provided, multiple submitters, no conflicts (2 of 4 stars). 2 submissions from 2 submitters: Uncertain significance (2). Last evaluated 2020-08-20.

Conditions:
Hereditary cancer-predisposing syndrome. Also called: Neoplastic Syndromes, Hereditary; Tumor predisposition; Hereditary Cancer Syndrome; Hereditary neoplastic syndrome. Identifiers: Orphanet 140162, MedGen C0027672, MeSH D009386, MONDO:0015356.

Submissions (2):

Color Diagnostics, LLC DBA Color Health
Classification: Uncertain significance for Hereditary cancer-predisposing syndrome. Last evaluated: 2020-08-20. Review status: criteria provided, single submitter. Criteria: ACMG Guidelines, 2015. Collection method: clinical testing. Allele origin: germline.
Comment: This missense variant replaces serine with alanine at codon 519 of the BARD1 protein. Computational prediction suggests that this variant may not impact protein structure and function (internally defined REVEL score threshold <= 0.5, PMID: 27666373). To our knowledge, functional studies have not been reported for this variant. This variant has not been reported in individuals affected with hereditary cancer in the literature. This variant has not been identified in the general population by the Genome Aggregation Database (gnomAD). The available evidence is insufficient to determine the role of this variant in disease conclusively. Therefore, this variant is classified as a Variant of Uncertain Significance.

Ambry Genetics
Classification: Uncertain significance for Hereditary cancer-predisposing syndrome. Last evaluated: 2019-01-03. Review status: criteria provided, single submitter. Criteria: Ambry Variant Classification Scheme 2023. Collection method: clinical testing. Allele origin: germline.
Comment: The p.S519A variant (also known as c.1555T>G), located in coding exon 6 of the BARD1 gene, results from a T to G substitution at nucleotide position 1555. The serine at codon 519 is replaced by alanine, an amino acid with similar properties. This amino acid position is highly conserved in available vertebrate species. In addition, the in silico prediction for this alteration is inconclusive. Since supporting evidence is limited at this time, the clinical significance of this alteration remains unclear.